The following is an entry in ClinVar:

ClinVar aggregate classification (germline): Likely pathogenic (0 of 4 stars; one submission).

Conditions:
Neural tube defect (NTD). Also called: Neural tube defects. Identifiers: Orphanet 3388, Orphanet 823, MedGen C0027794, MONDO:0018075, HP:0045005.

Submission:

Finnell Lab, Baylor College of Medicine
Classification: Likely pathogenic for Neural tube defects, susceptibility to. Review status: no assertion criteria provided. Collection method: case-control. Allele origin: unknown. Affected: yes. Observed: 1 heterozygote.
Comment: In vitro functional study described this variant affects RAD9B's protein function.

NM_001286535.2(RAD9B):c.336A>G (p.Ile112Met)

Gene: RAD9B (RAD9 checkpoint clamp component B; plus strand). Cytogenetic location: 12q24.11.
Variant type: single nucleotide variant.
Coding change: c.336A>G on transcript NM_001286535.2 (MANE Select); coding-DNA position 336, A replaced by G.
Protein change: p.Ile112Met; replaces isoleucine 112 with methionine.
Molecular consequence: missense variant. On other transcripts: 5 prime UTR variant (4), intron variant (1).
Genome position (GRCh38, 1-based): chr12:110,506,641, A>G. VCF-style: chr12-110506641-A-G. GRCh37 (hg19) VCF-style: chr12-110944446-A-G.
Other names: c.120A>G, p.Ile40Met (NM_001286531.2, NM_001286532.2, NM_001368051.1 and 1 more transcripts); c.-295A>G (NM_001286533.2, NM_001286534.2); c.336A>G, p.Ile112Met (NM_001286536.2, NM_001368052.1, NM_152442.4); c.-156A>G (NM_001368055.1, NM_001368056.1); c.-104+4258A>G (NM_001368054.1); short protein forms I112M, I40M.
Identifiers: ClinVar variation 694314 (VCV000694314.2), dbSNP rs1593037878, ClinGen allele CA386694758.
Genomic context (GRCh38, chr12:110,506,641, plus strand): 5'-AATTTTGCCCATCTTTAGATGTCTGAATTCCCTTGAAAGAAATATAGAGAAGTGCAGAAT[A>G]TTCACCAGATCTGATAAATGCAAAGTAGTTATTCAATTCTTCTACAGACATGGTAGGTAT-3'
Protein context (NP_001273464.1, residues 102-122): SLERNIEKCR[Ile112Met]FTRSDKCKVV